The following is an entry in ClinVar:

NM_004369.4(COL6A3):c.4844C>A (p.Pro1615His)

Gene: COL6A3 (collagen type VI alpha 3 chain; minus strand). Cytogenetic location: 2q37.3.
Variant type: single nucleotide variant.
Coding change: c.4844C>A on transcript NM_004369.4 (MANE Select); coding-DNA position 4844, C replaced by A.
Protein change: p.Pro1615His; replaces proline 1615 with histidine.
Molecular consequence: missense variant.
Genome position (GRCh38, 1-based): chr2:237,368,619, G>T on the plus strand (C>A on the coding strand, the complement: COL6A3 is on the minus strand). VCF-style: chr2-237368619-G-T. GRCh37 (hg19) VCF-style: chr2-238277262-G-T.
Other names: c.3023C>A, p.Pro1008His (NM_057166.5); c.4226C>A, p.Pro1409His (NM_057167.4); short protein forms P1615H, P1008H, P1409H.
Identifiers: ClinVar variation 291110 (VCV000291110.6), dbSNP rs886044653, ClinGen allele CA10607020.

ClinVar aggregate classification (germline): Uncertain significance. Review status: criteria provided, multiple submitters, no conflicts (2 of 4 stars). 2 submissions from 2 submitters: Uncertain significance (2). Last evaluated 2025-12-08.

Conditions:
Bethlem myopathy 1A. Also called: Bethlem Muscular Dystrophy; MYOPATHY, BENIGN CONGENITAL, WITH CONTRACTURES; Bethlem myopathy 1. Identifiers: Orphanet 610, MedGen CN029274, MONDO:0024530, OMIM 158810.

Allele frequency attached by ClinVar (database versions not stated): gnomAD exomes below 0.00001; TOPMed below 0.00001.
gnomAD v4.1: 3 of 1,614,064 alleles (0.00019%); highest among the groups gnomAD compares: Non-Finnish European, 0.00025%; no homozygotes.

Submissions (2):

Labcorp Genetics (formerly Invitae), Labcorp
Classification: Uncertain significance for Bethlem myopathy 1A. Last evaluated: 2025-12-08. Review status: criteria provided, single submitter. Criteria: Invitae Variant Classification Sherloc (09022015). Collection method: clinical testing. Allele origin: germline.
Comment: This sequence change replaces proline, which is neutral and non-polar, with histidine, which is basic and polar, at codon 1615 of the COL6A3 protein (p.Pro1615His). This variant is present in population databases (no rsID available, gnomAD 0.0009%). This variant has not been reported in the literature in individuals affected with COL6A3-related conditions. ClinVar contains an entry for this variant (Variation ID: 291110). Invitae Evidence Modeling of protein sequence and biophysical properties (such as structural, functional, and spatial information, amino acid conservation, physicochemical variation, residue mobility, and thermodynamic stability) indicates that this missense variant is not expected to disrupt COL6A3 protein function with a negative predictive value of 80%. In summary, the available evidence is currently insufficient to determine the role of this variant in disease. Therefore, it has been classified as a Variant of Uncertain Significance.

Eurofins Ntd Llc (ga)
Classification: Uncertain significance. Last evaluated: 2016-09-02. Review status: criteria provided, single submitter. Criteria: EGL Classification Definitions 2015. Collection method: clinical testing. Allele origin: germline. Observed: 1 variant allele, 1 heterozygote.